The following is an entry in ClinVar:

NM_007294.4(BRCA1):c.240T>C (p.Ser80=)

Gene: BRCA1 (BRCA1 DNA repair associated; minus strand). Cytogenetic location: 17q21.31.
Variant type: single nucleotide variant.
Coding change: c.240T>C on transcript NM_007294.4 (MANE Select); coding-DNA position 240, T replaced by C.
Protein change: p.Ser80=; no amino-acid change (serine 80 retained).
Molecular consequence: synonymous variant. On other transcripts: 5 prime UTR variant (7), intron variant (2).
Genome position (GRCh38, 1-based): chr17:43,104,929, A>G on the plus strand (T>C on the coding strand, the complement: BRCA1 is on the minus strand). VCF-style: chr17-43104929-A-G. GRCh37 (hg19) VCF-style: chr17-41256946-A-G.
Other names: c.30T>C, p.Ser10= (NM_001407571.1, NM_001407853.1, NM_001407879.1 and 58 more transcripts); c.240T>C, p.Ser80= (NM_001407581.1, NM_001407582.1, NM_001407583.1 and 168 more transcripts); c.162T>C, p.Ser54= (NM_001407653.1, NM_001407654.1, NM_001407655.1 and 21 more transcripts); c.99T>C, p.Ser33= (NM_001407692.1, NM_001407694.1, NM_001407695.1 and 99 more transcripts); c.-142T>C (NM_001407959.1, NM_001407960.1, NM_001407962.1 and 4 more transcripts); c.108T>C, p.Ser36= (NM_001408451.1); c.-218-10069T>C (NM_001407967.1, NM_001407966.1).
Identifiers: ClinVar variation 865596 (VCV000865596.3), dbSNP rs2054689945, ClinGen allele CA500127630.

Conditions:
Breast-ovarian cancer, familial, susceptibility to, 1 (BROVCA1). Also called: BRCA1 Hereditary Breast and Ovarian Cancer; OVARIAN CANCER, SUSCEPTIBILITY TO. Identifiers: Orphanet 145, MedGen C2676676, MONDO:0011450, OMIM 604370. Disease mechanism: loss of function.

Submission:

Brotman Baty Institute, University of Washington
No classification provided (evidence only). Condition: Breast-ovarian cancer, familial 1. Review status: no classification provided. Collection method: in vitro. Allele origin: not applicable. Functional consequence: functionally_normal.
ClinVar note: "not provided" was previously submitted as the classification for the variant. However, the classification appeared to be based only on an observation of functional data so it was converted to no classification on 2025-07-30.